The following is an entry in ClinVar:

NM_004560.4(ROR2):c.557T>C (p.Ile186Thr)

Gene: ROR2 (receptor tyrosine kinase like orphan receptor 2; minus strand). Cytogenetic location: 9q22.31.
Variant type: single nucleotide variant.
Coding change: c.557T>C on transcript NM_004560.4 (MANE Select); coding-DNA position 557, T replaced by C.
Protein change: p.Ile186Thr; replaces isoleucine 186 with threonine.
Molecular consequence: missense variant.
Genome position (GRCh38, 1-based): chr9:91,737,456, A>G on the plus strand (T>C on the coding strand, the complement: ROR2 is on the minus strand). VCF-style: chr9-91737456-A-G. GRCh37 (hg19) VCF-style: chr9-94499738-A-G.
Other names: c.557T>C (NM_004560.3); c.557T>C, p.Ile186Thr (NM_001318204.2); short protein forms I186T.
Identifiers: ClinVar variation 3597782 (VCV003597782.3).

ClinVar aggregate classification (germline): Uncertain significance. Review status: criteria provided, multiple submitters, no conflicts (2 of 4 stars). 3 submissions from 3 submitters: Uncertain significance (3). Last evaluated 2025-08-01.

Conditions:
Autosomal recessive Robinow syndrome (RRS1). Also called: COSTOVERTEBRAL SEGMENTATION DEFECT WITH MESOMELIA; COVESDEM SYNDROME; ROR2-Related Robinow Syndrome; ROBINOW SYNDROME, AUTOSOMAL RECESSIVE 1. Identifiers: Orphanet 1507, Orphanet 97360, MedGen C5399974, MONDO:0009999, OMIM 268310.
Brachydactyly type B1 (BDB1). Identifiers: Orphanet 572385, Orphanet 93383, MedGen C1862112, MONDO:0007220, OMIM 113000.
Inborn genetic diseases. Identifiers: MedGen C0950123, MeSH D030342.

gnomAD v4.1: 20 of 1,614,184 alleles (0.0012%); highest among the groups gnomAD compares: Admixed American, 0.0017%; no homozygotes.

Submissions (3):

Ambry Genetics
Classification: Uncertain significance for Inborn genetic diseases. Last evaluated: 2025-08-01. Review status: criteria provided, single submitter. Criteria: Ambry Variant Classification Scheme 2023. Collection method: clinical testing. Allele origin: germline.

Labcorp Genetics (formerly Invitae), Labcorp
Classification: Uncertain significance. Last evaluated: 2025-06-09. Review status: criteria provided, single submitter. Criteria: Invitae Variant Classification Sherloc (09022015). Collection method: clinical testing. Allele origin: germline.
Comment: This sequence change replaces isoleucine, which is neutral and non-polar, with threonine, which is neutral and polar, at codon 186 of the ROR2 protein (p.Ile186Thr). This variant is not present in population databases (gnomAD no frequency). This variant has not been reported in the literature in individuals affected with ROR2-related conditions. ClinVar contains an entry for this variant (Variation ID: 3597782). Invitae Evidence Modeling of protein sequence and biophysical properties (such as structural, functional, and spatial information, amino acid conservation, physicochemical variation, residue mobility, and thermodynamic stability) indicates that this missense variant is expected to disrupt ROR2 protein function with a positive predictive value of 80%. In summary, the available evidence is currently insufficient to determine the role of this variant in disease. Therefore, it has been classified as a Variant of Uncertain Significance.

Fulgent Genetics
Classification: Uncertain significance for Brachydactyly type B1; Autosomal recessive Robinow syndrome. Last evaluated: 2024-05-04. Review status: criteria provided, single submitter. Criteria: ACMG Guidelines, 2015. Collection method: clinical testing. Allele origin: germline.